The following is an entry in ClinVar:

NM_000493.4(COL10A1):c.1468G>A (p.Gly490Arg)

Genes: COL10A1 (collagen type X alpha 1 chain; minus strand), NT5DC1 (5'-nucleotidase domain containing 1; plus strand). Cytogenetic location: 6q22.1.
Variant type: single nucleotide variant.
Coding change: c.1468G>A on transcript NM_000493.4 (MANE Select); coding-DNA position 1468, G replaced by A.
Protein change: p.Gly490Arg; replaces glycine 490 with arginine.
Molecular consequence: missense variant. On other transcripts: intron variant (1).
Genome position (GRCh38, 1-based): chr6:116,120,648, C>T on the plus strand (G>A on the coding strand, the complement: COL10A1 is on the minus strand). VCF-style: chr6-116120648-C-T. GRCh37 (hg19) VCF-style: chr6-116441811-C-T.
Other names: c.1468G>A, p.Gly490Arg (NM_001424106.1, NM_001424107.1); c.529+2703C>T (NM_152729.3); short protein forms G490R.
Identifiers: ClinVar variation 1653325 (VCV001653325.10), dbSNP rs777462669, ClinGen allele CA3968167.

ClinVar aggregate classification (germline): Conflicting classifications of pathogenicity. Review status: criteria provided, conflicting classifications (1 of 4 stars). 3 submissions from 3 submitters: Uncertain significance (1); Likely benign (1). 1 of the submissions does not count toward it. Last evaluated 2025-02-20.

Conditions:
COL10A1-related disorder. Also called: COL10A1-related condition.
Inborn genetic diseases. Identifiers: MedGen C0950123, MeSH D030342.

Allele frequency attached by ClinVar (database versions not stated): gnomAD 0.00001; TOPMed 0.00001; gnomAD exomes 0.00003; ExAC 0.00004.
gnomAD v4.1: 34 of 1,547,490 alleles (0.0022%); highest among the groups gnomAD compares: Non-Finnish European, 0.0028%; no homozygotes.

Submissions (3):

Labcorp Genetics (formerly Invitae), Labcorp
Classification: Likely benign. Last evaluated: 2025-02-20. Review status: criteria provided, single submitter. Criteria: Invitae Variant Classification Sherloc (09022015). Collection method: clinical testing. Allele origin: germline.

Ambry Genetics
Classification: Uncertain significance for Inborn genetic diseases. Last evaluated: 2023-11-09. Review status: criteria provided, single submitter. Criteria: Ambry Variant Classification Scheme 2023. Collection method: clinical testing. Allele origin: germline.

PreventionGenetics, part of Exact Sciences
Classification: Uncertain significance for COL10A1-related condition. Last evaluated: 2024-09-16. Review status: no assertion criteria provided. Collection method: clinical testing. Allele origin: germline. Not counted in ClinVar's aggregate classification.
Comment: The COL10A1 c.1468G>A variant is predicted to result in the amino acid substitution p.Gly490Arg. To our knowledge, this variant has not been reported in the literature. This variant is reported in 0.0044% of alleles in individuals of Latino descent in gnomAD. At this time, the clinical significance of this variant is uncertain due to the absence of conclusive functional and genetic evidence.